The following is an entry in ClinVar:

NM_183357.3(ADCY5):c.3064-3C>T

Gene: ADCY5 (adenylate cyclase 5; minus strand). Cytogenetic location: 3q21.1.
Variant type: single nucleotide variant.
Coding change: c.3064-3C>T on transcript NM_183357.3 (MANE Select); 3 bases into the intron before coding-DNA position 3064, C replaced by T.
Molecular consequence: intron variant.
Genome position (GRCh38, 1-based): chr3:123,291,379, G>A on the plus strand (C>T on the coding strand, the complement: ADCY5 is on the minus strand). VCF-style: chr3-123291379-G-A. GRCh37 (hg19) VCF-style: chr3-123010226-G-A.
Other names: c.3139-3C>T (NM_001378259.1); c.2014-3C>T (NM_001199642.1).
Identifiers: ClinVar variation 3681851 (VCV003681851.2).

ClinVar aggregate classification (germline): Uncertain significance (1 of 4 stars; one submission).

gnomAD v4.1: 1 of 1,604,380 alleles (0.000062%); highest among the groups gnomAD compares: Non-Finnish European, 0.000085%; no homozygotes.

Submission:

Labcorp Genetics (formerly Invitae), Labcorp
Classification: Uncertain significance. Last evaluated: 2024-10-09. Review status: criteria provided, single submitter. Criteria: Invitae Variant Classification Sherloc (09022015). Collection method: clinical testing. Allele origin: germline.
Comment: This sequence change falls in intron 17 of the ADCY5 gene. It does not directly change the encoded amino acid sequence of the ADCY5 protein. It affects a nucleotide within the consensus splice site. This variant is not present in population databases (gnomAD no frequency). This variant has not been reported in the literature in individuals affected with ADCY5-related conditions. Variants that disrupt the consensus splice site are a relatively common cause of aberrant splicing (PMID: 17576681, 9536098). Algorithms developed to predict the effect of sequence changes on RNA splicing suggest that this variant is not likely to affect RNA splicing. In summary, the available evidence is currently insufficient to determine the role of this variant in disease. Therefore, it has been classified as a Variant of Uncertain Significance.

Literature cited by the submitters: PubMed 17576681; PubMed 9536098.